The following is an entry in ClinVar:

ClinVar aggregate classification (germline): Uncertain significance (1 of 4 stars; one submission).

Conditions:
Early-infantile DEE. Also called: Early infantile epileptic encephalopathy; Early infantile epileptic encephalopathy with suppression bursts; Ohtahara syndrome. Identifiers: Orphanet 1934, MedGen C0393706, MONDO:0800491.

Submission:

Labcorp Genetics (formerly Invitae), Labcorp
Classification: Uncertain significance for Early-infantile DEE. Last evaluated: 2022-03-03. Review status: criteria provided, single submitter. Criteria: Invitae Variant Classification Sherloc (09022015). Collection method: clinical testing. Allele origin: germline.
Comment: This variant has not been reported in the literature in individuals affected with ST3GAL3-related conditions. This variant is not present in population databases (gnomAD no frequency). This sequence change replaces cysteine, which is neutral and slightly polar, with tyrosine, which is neutral and polar, at codon 157 of the ST3GAL3 protein (p.Cys157Tyr). Algorithms developed to predict the effect of missense changes on protein structure and function are either unavailable or do not agree on the potential impact of this missense change (SIFT: "Deleterious"; PolyPhen-2: "Probably Damaging"; Align-GVGD: "Class C0"). In summary, the available evidence is currently insufficient to determine the role of this variant in disease. Therefore, it has been classified as a Variant of Uncertain Significance.

NM_006279.5(ST3GAL3):c.470G>A (p.Cys157Tyr)

Gene: ST3GAL3 (ST3 beta-galactoside alpha-2,3-sialyltransferase 3; plus strand). Cytogenetic location: 1p34.1.
Variant type: single nucleotide variant.
Coding change: c.470G>A on transcript NM_006279.5 (MANE Select); coding-DNA position 470, G replaced by A.
Protein change: p.Cys157Tyr; replaces cysteine 157 with tyrosine.
Molecular consequence: missense variant. On other transcripts: non-coding transcript variant (7), intron variant (4).
Genome position (GRCh38, 1-based): chr1:43,899,176, G>A. VCF-style: chr1-43899176-G-A. GRCh37 (hg19) VCF-style: chr1-44364848-G-A.
Other names: c.470G>A, p.Cys157Tyr (NM_001270459.2, NM_001350620.2, NM_174966.4); c.377G>A, p.Cys126Tyr (NM_001270460.2); c.422G>A, p.Cys141Tyr (NM_001270461.3, NM_001270464.3, NM_174969.4); c.329G>A, p.Cys110Tyr (NM_001270462.3); c.467G>A, p.Cys156Tyr (NM_001270463.3, NM_001270465.3); c.515G>A, p.Cys172Tyr (NM_001350619.2, NM_174964.4); c.191G>A, p.Cys64Tyr (NM_001350621.2); c.632G>A, p.Cys211Tyr (NM_001363573.2, NM_174968.5); and 6 more; short protein forms C110Y, C156Y, C157Y, C211Y, C226Y, C64Y, C126Y, C172Y.
Identifiers: ClinVar variation 1352020 (VCV001352020.9), dbSNP rs2154270555, ClinGen allele CA340269930.